The following is an entry in ClinVar:

NM_003906.5(MCM3AP):c.10A>G (p.Thr4Ala)

Gene: MCM3AP (minichromosome maintenance complex component 3 associated protein; minus strand). Cytogenetic location: 21q22.3.
Variant type: single nucleotide variant.
Coding change: c.10A>G on transcript NM_003906.5 (MANE Select); coding-DNA position 10, A replaced by G.
Protein change: p.Thr4Ala; replaces threonine 4 with alanine.
Molecular consequence: missense variant.
Genome position (GRCh38, 1-based): chr21:46,285,277, T>C on the plus strand (A>G on the coding strand, the complement: MCM3AP is on the minus strand). VCF-style: chr21-46285277-T-C. GRCh37 (hg19) VCF-style: chr21-47705191-T-C.
Other names: short protein forms T4A.
Identifiers: ClinVar variation 1916501 (VCV001916501.2), dbSNP rs148481230, ClinGen allele CA10077446.
Genomic context (GRCh38, chr21:46,285,277, plus strand): 5'-TTCCTACATTACTAGAAGACGCCGAAAAAGCACTAGGCTGCTGCCCACTGAAAGGATTAG[T>C]TGGGTTCATCTTCTGCTCCAATTATTAGAAGGTAATTAAGTATTATGTGTACAAAATTAA-3'
Protein context (NP_003897.2, residues 1-14): MNP[Thr4Ala]NPFSGQQPSA

ClinVar aggregate classification (germline): Uncertain significance (1 of 4 stars; one submission).

gnomAD v4.1: 54 of 1,611,302 alleles (0.0034%); highest among the groups gnomAD compares: East Asian, 0.0045%; no homozygotes.

Submission:

Labcorp Genetics (formerly Invitae), Labcorp
Classification: Uncertain significance. Last evaluated: 2022-01-14. Review status: criteria provided, single submitter. Criteria: Invitae Variant Classification Sherloc (09022015). Collection method: clinical testing. Allele origin: germline.
Comment: This sequence change replaces threonine, which is neutral and polar, with alanine, which is neutral and non-polar, at codon 4 of the MCM3AP protein (p.Thr4Ala). This variant is present in population databases (rs148481230, gnomAD 0.003%). This variant has not been reported in the literature in individuals affected with MCM3AP-related conditions. Algorithms developed to predict the effect of missense changes on protein structure and function output the following: SIFT: "Tolerated"; PolyPhen-2: "Benign"; Align-GVGD: "Class C0". The alanine amino acid residue is found in multiple mammalian species, which suggests that this missense change does not adversely affect protein function. In summary, the available evidence is currently insufficient to determine the role of this variant in disease. Therefore, it has been classified as a Variant of Uncertain Significance.